The following is an entry in ClinVar:

NM_181507.2(HPS5):c.2686A>G (p.Ser896Gly)

Gene: HPS5 (HPS5 biogenesis of lysosomal organelles complex 2 subunit 2; minus strand). Cytogenetic location: 11p15.1.
Variant type: single nucleotide variant.
Coding change: c.2686A>G on transcript NM_181507.2 (MANE Select); coding-DNA position 2686, A replaced by G.
Protein change: p.Ser896Gly; replaces serine 896 with glycine.
Molecular consequence: missense variant.
Genome position (GRCh38, 1-based): chr11:18,287,566, T>C on the plus strand (A>G on the coding strand, the complement: HPS5 is on the minus strand). VCF-style: chr11-18287566-T-C. GRCh37 (hg19) VCF-style: chr11-18309113-T-C.
Other names: c.2344A>G, p.Ser782Gly (NM_181508.2, NM_007216.4); short protein forms S896G, S782G.
Identifiers: ClinVar variation 1423482 (VCV001423482.6), dbSNP rs764567111, ClinGen allele CA5909794.

ClinVar aggregate classification (germline): Uncertain significance (1 of 4 stars; one submission).

Allele frequency attached by ClinVar (database versions not stated): gnomAD exomes below 0.00001; ExAC 0.00001.
gnomAD v4.1: 2 of 1,614,184 alleles (0.00012%); highest among the groups gnomAD compares: Non-Finnish European, 0.00017%; no homozygotes.

Submission:

Labcorp Genetics (formerly Invitae), Labcorp
Classification: Uncertain significance. Last evaluated: 2021-10-28. Review status: criteria provided, single submitter. Criteria: Invitae Variant Classification Sherloc (09022015). Collection method: clinical testing. Allele origin: germline.
Comment: In summary, the available evidence is currently insufficient to determine the role of this variant in disease. Therefore, it has been classified as a Variant of Uncertain Significance. Algorithms developed to predict the effect of missense changes on protein structure and function output the following: SIFT: "Tolerated"; PolyPhen-2: "Benign"; Align-GVGD: "Class C0". The glycine amino acid residue is found in multiple mammalian species, which suggests that this missense change does not adversely affect protein function. This variant has not been reported in the literature in individuals affected with HPS5-related conditions. This variant is present in population databases (rs764567111, gnomAD 0.0009%). This sequence change replaces serine, which is neutral and polar, with glycine, which is neutral and non-polar, at codon 896 of the HPS5 protein (p.Ser896Gly).